The following is an entry in ClinVar:

ClinVar aggregate classification (germline): Likely benign (0 of 4 stars; one submission).

Conditions:
FLT4-related disorder. Also called: FLT4-related condition.

Allele frequency attached by ClinVar (database versions not stated): gnomAD exomes 0.00003; ESP Exome Variant Server 0.00008; TOPMed 0.00008; gnomAD 0.00009; ExAC 0.00013; 1000 Genomes Project 30x 0.00078.
gnomAD v4.1: 51 of 1,612,772 alleles (0.0032%); highest among the groups gnomAD compares: East Asian, 0.062%; no homozygotes.

Submission:

PreventionGenetics, part of Exact Sciences
Classification: Likely benign for FLT4-related condition. Last evaluated: 2021-03-11. Review status: no assertion criteria provided. Collection method: clinical testing. Allele origin: germline.
Comment: This variant is classified as likely benign based on ACMG/AMP sequence variant interpretation guidelines (Richards et al. 2015 PMID: 25741868, with internal and published modifications).

NM_182925.5(FLT4):c.576C>T (p.Leu192=)

Gene: FLT4 (fms related receptor tyrosine kinase 4; minus strand). Cytogenetic location: 5q35.3.
Variant type: single nucleotide variant.
Coding change: c.576C>T on transcript NM_182925.5 (MANE Select); coding-DNA position 576, C replaced by T.
Protein change: p.Leu192=; no amino-acid change (leucine 192 retained).
Molecular consequence: synonymous variant.
Genome position (GRCh38, 1-based): chr5:180,630,043, G>A on the plus strand (C>T on the coding strand, the complement: FLT4 is on the minus strand). VCF-style: chr5-180630043-G-A. GRCh37 (hg19) VCF-style: chr5-180057043-G-A.
Other names: c.576C>T, p.Leu192= (NM_001354989.2, NM_002020.5).
Identifiers: ClinVar variation 3031493 (VCV003031493.2), dbSNP rs140192529, ClinGen allele CA3607050.